The following is an entry in ClinVar:

NM_001005361.3(DNM2):c.1872C>T (p.Gly624=)

Gene: DNM2 (dynamin 2; plus strand). Cytogenetic location: 19p13.2.
Variant type: single nucleotide variant.
Coding change: c.1872C>T on transcript NM_001005361.3 (MANE Select); coding-DNA position 1872, C replaced by T.
Protein change: p.Gly624=; no amino-acid change (glycine 624 retained).
Molecular consequence: synonymous variant.
Genome position (GRCh38, 1-based): chr19:10,823,878, C>T. VCF-style: chr19-10823878-C-T. GRCh37 (hg19) VCF-style: chr19-10934554-C-T.
Other names: c.1872C>T, p.Gly624= (NM_001005360.3, NM_001190716.2); c.1860C>T, p.Gly620= (NM_001005362.3, NM_004945.4).
Identifiers: ClinVar variation 515017 (VCV000515017.9), dbSNP rs774256221, ClinGen allele CA9201422.
Genomic context (GRCh38, chr19:10,823,878, plus strand): 5'-GCTGGCCTGTGACTCCCAGGAAGACGTGGACAGCTGGAAGGCCTCGTTCCTCCGAGCTGG[C>T]GTCTACCCCGAGAAGGACCAGGTGAGGAGCCGTCCTGCGCAGCCAGGCCCAGAGCCCCCA-3'
Protein context (NP_001005361.1, residues 614-634): DSWKASFLRA[Gly624=]VYPEKDQAEN

ClinVar aggregate classification (germline): Likely benign. Review status: criteria provided, multiple submitters, no conflicts (2 of 4 stars). 4 submissions from 4 submitters: Likely benign (4). Last evaluated 2025-10-09.

Conditions:
Charcot-Marie-Tooth disease dominant intermediate B (CMTDIB). Also called: CHARCOT-MARIE-TOOTH NEUROPATHY, DOMINANT INTERMEDIATE B; Charcot-Marie-Tooth disease dominant intermediate 1; CMT DI1; Charcot-Marie-Tooth disease dominant intermediate I. Identifiers: Orphanet 100044, Orphanet 228179, MedGen C1847902, MONDO:0011674, OMIM 606482.
Inborn genetic diseases. Identifiers: MedGen C0950123, MeSH D030342.

Allele frequency attached by ClinVar (database versions not stated): gnomAD 0.00001 and 0.00003; gnomAD exomes 0.00001 and 0.00002; ExAC 0.00002; TOPMed 0.00002.
gnomAD v4.1: 25 of 1,613,644 alleles (0.0015%); highest among the groups gnomAD compares: Middle Eastern, 0.066%; 1 homozygote.

Submissions (6):

Labcorp Genetics (formerly Invitae), Labcorp
Classification: Likely benign for Charcot-Marie-Tooth disease dominant intermediate B. Last evaluated: 2025-10-09. Review status: criteria provided, single submitter. Criteria: Invitae Variant Classification Sherloc (09022015). Collection method: clinical testing. Allele origin: germline.

Ambry Genetics
Classification: Likely benign for Inborn genetic diseases. Last evaluated: 2019-07-11. Review status: criteria provided, single submitter. Criteria: Ambry Variant Classification Scheme 2023. Collection method: clinical testing. Allele origin: germline.

GeneDx
Classification: Likely benign. Last evaluated: 2018-01-25. Review status: criteria provided, single submitter. Criteria: GeneDx Variant Classification (06012015). Collection method: clinical testing. Allele origin: germline. Affected: yes.
Comment: This variant is considered likely benign or benign based on one or more of the following criteria: it is a conservative change, it occurs at a poorly conserved position in the protein, it is predicted to be benign by multiple in silico algorithms, and/or has population frequency not consistent with disease.

Athena Diagnostics
Classification: Likely benign. Last evaluated: 2017-11-16. Review status: criteria provided, single submitter. Criteria: Athena Diagnostics Criteria. Collection method: clinical testing. Allele origin: germline.

Dr. Peter K. Rogan Lab, Western University
No classification provided (evidence only). Condition: Sarcoma. Review status: no classification provided. Collection method: in vitro. Allele origin: not applicable. Functional consequence: retained intron. Not counted in ClinVar's aggregate classification.

Dr. Peter K. Rogan Lab, Western University
No classification provided (evidence only). Condition: Pancreatic adenocarcinoma. Review status: no classification provided. Collection method: in vitro. Allele origin: not applicable. Functional consequence: retained intron. Not counted in ClinVar's aggregate classification.